The following is an entry in ClinVar:

ClinVar aggregate classification (germline): Conflicting classifications of pathogenicity. Review status: criteria provided, conflicting classifications (1 of 4 stars). 5 submissions from 5 submitters: Uncertain significance (3); Likely benign (2). Last evaluated 2025-12-12.

Conditions:
Episodic ataxia type 2 (EA2). Also called: ACETAZOLAMIDE-RESPONSIVE HEREDITARY PAROXYSMAL CEREBELLAR ATAXIA; CEREBELLAR ATAXIA, PAROXYSMAL, ACETAZOLAMIDE-RESPONSIVE; CEREBELLOPATHY, HEREDITARY PAROXYSMAL; EPISODIC ATAXIA, NYSTAGMUS-ASSOCIATED; ATAXIA, EPISODIC, WITH NYSTAGMUS; ATAXIA, FAMILIAL PAROXYSMAL. Identifiers: Orphanet 97, MedGen C1720416, MONDO:0007163, OMIM 108500.
Developmental and epileptic encephalopathy, 42 (DEE42A). Also called: DEVELOPMENTAL AND EPILEPTIC ENCEPHALOPATHY 42A; EPILEPTIC ENCEPHALOPATHY, EARLY INFANTILE, 42A; Epileptic encephalopathy, early infantile, 42. Identifiers: MedGen C4310716, MONDO:0014917, OMIM 617106.

Allele frequency attached by ClinVar (database versions not stated): TOPMed 0.00001; gnomAD exomes 0.00002 and 0.00006; ExAC 0.00005.
gnomAD v4.1: 13 of 1,585,300 alleles (0.00082%); highest among the groups gnomAD compares: Admixed American, 0.024%; no homozygotes.

Submissions (5):

Labcorp Genetics (formerly Invitae), Labcorp
Classification: Likely benign for Developmental and epileptic encephalopathy, 42; Episodic ataxia type 2. Last evaluated: 2025-12-12. Review status: criteria provided, single submitter. Criteria: Invitae Variant Classification Sherloc (09022015). Collection method: clinical testing. Allele origin: germline.

Women's Health and Genetics/Laboratory Corporation of America, LabCorp
Classification: Uncertain significance. Last evaluated: 2025-11-11. Review status: criteria provided, single submitter. Criteria: LabCorp Variant Classification Summary - May 2015. Collection method: clinical testing. Allele origin: germline.
Comment: Variant summary: CACNA1A c.6080A>G (p.Glu2027Gly) results in a non-conservative amino acid change in the encoded protein sequence. Algorithms developed to predict the effect of missense changes on protein structure and function all suggest that this variant is likely to be disruptive. The variant allele was found at a frequency of 5.6e-05 in 197326 control chromosomes. This frequency is not significantly higher than estimated for disease-causing variants in CACNA1A, allowing no conclusion about variant significance. To our knowledge, no occurrence of c.6080A>G in individuals affected with CACNA1A-related conditions and no experimental evidence demonstrating its impact on protein function have been reported. ClinVar contains an entry for this variant (Variation ID: 585579). Based on the evidence outlined above, the variant was classified as uncertain significance.

GeneDx
Classification: Uncertain significance. Last evaluated: 2022-08-08. Review status: criteria provided, single submitter. Criteria: GeneDx Variant Classification Process June 2021. Collection method: clinical testing. Allele origin: germline. Affected: yes.
Comment: In silico analysis supports that this missense variant has a deleterious effect on protein structure/function; Has not been previously published as pathogenic or benign to our knowledge

Athena Diagnostics
Classification: Likely benign. Last evaluated: 2019-07-15. Review status: criteria provided, single submitter. Criteria: Athena Diagnostics Criteria. Collection method: clinical testing. Allele origin: germline.

Baylor Genetics
Classification: Uncertain significance for Developmental and epileptic encephalopathy, 42. Last evaluated: 2018-08-08. Review status: criteria provided, single submitter. Criteria: ACMG Guidelines, 2015. Collection method: clinical testing. Allele origin: paternal. Affected: yes.
Comment: This variant was determined to be of uncertain significance according to ACMG Guidelines, 2015 [PMID:25741868].

NM_001127222.2(CACNA1A):c.6077A>G (p.Glu2026Gly)

Gene: CACNA1A (calcium voltage-gated channel subunit alpha1 A; minus strand). Cytogenetic location: 19p13.13.
Variant type: single nucleotide variant.
Coding change: c.6077A>G on transcript NM_001127222.2 (MANE Select); coding-DNA position 6077, A replaced by G.
Protein change: p.Glu2026Gly; replaces glutamic acid 2026 with glycine.
Molecular consequence: missense variant.
Genome position (GRCh38, 1-based): chr19:13,212,496, T>C on the plus strand (A>G on the coding strand, the complement: CACNA1A is on the minus strand). VCF-style: chr19-13212496-T-C. GRCh37 (hg19) VCF-style: chr19-13323310-T-C.
Other names: c.6095A>G, p.Glu2032Gly (NM_000068.4, NM_023035.3); c.6080A>G, p.Glu2027Gly (NM_001127221.2); c.6086A>G, p.Glu2029Gly (NM_001174080.2); short protein forms E2027G, E2032G, E2026G, E2029G.
Identifiers: ClinVar variation 585579 (VCV000585579.16), dbSNP rs771768635, ClinGen allele CA9239478.